The following is an entry in ClinVar:

NM_006267.5(RANBP2):c.4271_4274del (p.Ile1423_Cys1424insTer)

Gene: RANBP2 (RAN binding protein 2; plus strand). Cytogenetic location: 2q13.
Variant type: Deletion.
Coding change: c.4271_4274del on transcript NM_006267.5 (MANE Select); coding-DNA positions 4271 to 4274, 4 bases deleted (GTTT; older notation c.4271_4274delGTTT).
Protein change: p.Ile1423_Cys1424insTer.
Molecular consequence: nonsense.
Genome position (GRCh38, 1-based): chr2:108,764,810-108,764,813, GTTT deleted; deleting any 4 consecutive bases within chr2:108,764,807-108,764,813 gives the same sequence; the c. name uses the placement nearest the transcript's 3' end. VCF-style (leftmost placement, unchanged base first): chr2-108764806-ATTTG-A. GRCh37 (hg19) VCF-style: chr2-109381262-ATTTG-A.
Other names: c.4271_4274del, p.Ile1423_Cys1424insTer (NM_001415871.1, NM_001415873.1); c.4268_4271del, p.Ile1422_Cys1423insTer (NM_001415872.1).
Identifiers: ClinVar variation 2651250 (VCV002651250.24), dbSNP rs2467622574, ClinGen allele CA2695200846.
Genomic context (GRCh38, chr2:108,764,806, plus strand): 5'-AATGTTCAAGATCGATTTGCATTGGTGACTCCAAAGAAAGAAGGTCACTGGGATTGTAGT[ATTTG>A]TTTAGTAAGAAATGAACCTACTGTATCTAGGTGCATTGCGTGTCAGAATACAAAATCTGC-3'

ClinVar aggregate classification (germline): Uncertain significance (1 of 4 stars; one submission).

Submission:

CeGaT Center for Human Genetics Tuebingen
Classification: Uncertain significance. Last evaluated: 2023-10-01. Review status: criteria provided, single submitter. Criteria: CeGaT Center For Human Genetics Tuebingen Variant Classification Criteria Version 2. Collection method: clinical testing. Allele origin: germline. Affected: yes. Observed: 1 variant allele.
Comment: RANBP2: PM2